The following is an entry in ClinVar:

NM_022089.4(ATP13A2):c.1073C>T (p.Pro358Leu)

Gene: ATP13A2 (ATPase cation transporting 13A2; minus strand). Cytogenetic location: 1p36.13.
Variant type: single nucleotide variant.
Coding change: c.1073C>T on transcript NM_022089.4 (MANE Select); coding-DNA position 1073, C replaced by T.
Protein change: p.Pro358Leu; replaces proline 358 with leucine.
Molecular consequence: missense variant.
Genome position (GRCh38, 1-based): chr1:16,997,142, G>A on the plus strand (C>T on the coding strand, the complement: ATP13A2 is on the minus strand). VCF-style: chr1-16997142-G-A. GRCh37 (hg19) VCF-style: chr1-17323637-G-A.
Other names: c.1058C>T, p.Pro353Leu (NM_001141973.3, NM_001141974.3); short protein forms P353L, P358L.
Identifiers: ClinVar variation 4681512 (VCV004681512.5).
Genomic context (GRCh38, chr1:16,997,142, plus strand): 5'-GTCCCGCAGAAGAGTGTGTGCCGCCGGTGTGTCTCTGCACAGTAGGGCCCCAGCCCCTCC[G>A]GCAGTGCCGTCTTCAGCACTGGAATGCTCTCTCCTGGTGGGGAACGTGGTGTGAGGACCA-3'
Protein context (NP_071372.1, residues 348-368): ESIPVLKTAL[Pro358Leu]EGLGPYCAET

ClinVar aggregate classification (germline): Uncertain significance (1 of 4 stars; one submission).

gnomAD v4.1: 17 of 1,613,550 alleles (0.0011%); highest among the groups gnomAD compares: Middle Eastern, 0.016%; no homozygotes.

Submission:

CeGaT Center for Human Genetics Tuebingen
Classification: Uncertain significance. Last evaluated: 2025-12-01. Review status: criteria provided, single submitter. Criteria: CeGaT Center For Human Genetics Tuebingen Variant Classification Criteria Version 2. Collection method: clinical testing. Allele origin: germline. Affected: yes. Observed: 1 variant allele.
Comment: ATP13A2: PM2